The following is an entry in ClinVar:

NM_001048174.2(MUTYH):c.1499T>G (p.Val500Gly)

Gene: MUTYH (mutY DNA glycosylase; minus strand). Cytogenetic location: 1p34.1.
Variant type: single nucleotide variant.
Coding change: c.1499T>G on transcript NM_001048174.2 (MANE Select); coding-DNA position 1499, T replaced by G.
Protein change: p.Val500Gly; replaces valine 500 with glycine.
Molecular consequence: missense variant. On other transcripts: non-coding transcript variant (7).
Genome position (GRCh38, 1-based): chr1:45,329,373, A>C on the plus strand (T>G on the coding strand, the complement: MUTYH is on the minus strand). VCF-style: chr1-45329373-A-C. GRCh37 (hg19) VCF-style: chr1-45795045-A-C.
Other names: c.1499T>G, p.Val500Gly (NM_001048171.2, NM_001048173.2, NM_001293195.2 and 6 more transcripts); c.1502T>G, p.Val501Gly (NM_001048172.2, NM_001407086.1, NM_001407071.1 and 1 more transcripts); c.1583T>G, p.Val528Gly (NM_001128425.2); c.1544T>G, p.Val515Gly (NM_001293190.2); c.1532T>G, p.Val511Gly (NM_001293191.2, NM_001407069.1, NM_001407077.1); c.1223T>G, p.Val408Gly (NM_001293192.2, NM_001293196.2, NM_001407091.1); c.1154T>G, p.Val385Gly (NM_001350650.2, NM_001350651.2, NM_001407082.1); c.1541T>G, p.Val514Gly (NM_001407083.1, NM_001407085.1); and 5 more; short protein forms V472G, V501G, V507G, V515G, V525G, V528G, V487G, V500G.
Identifiers: ClinVar variation 4113398 (VCV004113398.1).

ClinVar aggregate classification (germline): Uncertain significance (1 of 4 stars; one submission).

Conditions:
Hereditary cancer-predisposing syndrome. Also called: Tumor predisposition; Neoplastic Syndromes, Hereditary; Hereditary neoplastic syndrome; Hereditary Cancer Syndrome. Identifiers: Orphanet 140162, MedGen C0027672, MeSH D009386, MONDO:0015356.

Submission:

Ambry Genetics
Classification: Uncertain significance for Hereditary cancer-predisposing syndrome. Last evaluated: 2025-08-27. Review status: criteria provided, single submitter. Criteria: Ambry Variant Classification Scheme 2023. Collection method: clinical testing. Allele origin: germline.
Comment: The p.V528G variant (also known as c.1583T>G), located in coding exon 16 of the MUTYH gene, results from a T to G substitution at nucleotide position 1583. The valine at codon 528 is replaced by glycine, an amino acid with dissimilar properties. This amino acid position is conserved. In addition, this alteration is predicted to be tolerated by in silico analysis. Based on the available evidence, the clinical significance of this variant remains unclear.